The following is an entry in ClinVar:

ClinVar aggregate classification (germline): Uncertain significance (1 of 4 stars; one submission).

Conditions:
Primary ciliary dyskinesia. Also called: Ciliary dyskinesia. Identifiers: Orphanet 244, MedGen C0008780, MONDO:0016575, HP:0012265.

Allele frequency attached by ClinVar (database versions not stated): gnomAD exomes below 0.00001.
gnomAD v4.1: 1 of 1,613,724 alleles (0.000062%); highest among the groups gnomAD compares: East Asian, 0.0022%; no homozygotes.

Submission:

Labcorp Genetics (formerly Invitae), Labcorp
Classification: Uncertain significance for Primary ciliary dyskinesia. Last evaluated: 2021-09-01. Review status: criteria provided, single submitter. Criteria: Invitae Variant Classification Sherloc (09022015). Collection method: clinical testing. Allele origin: germline.
Comment: This sequence change replaces proline with arginine at codon 37 of the RSPH4A protein (p.Pro37Arg). The proline residue is weakly conserved and there is a moderate physicochemical difference between proline and arginine. This variant is not present in population databases (ExAC no frequency). This variant has not been reported in the literature in individuals affected with RSPH4A-related conditions. Algorithms developed to predict the effect of missense changes on protein structure and function (SIFT, PolyPhen-2, Align-GVGD) all suggest that this variant is likely to be tolerated. Algorithms developed to predict the effect of sequence changes on RNA splicing suggest that this variant may create or strengthen a splice site. In summary, the available evidence is currently insufficient to determine the role of this variant in disease. Therefore, it has been classified as a Variant of Uncertain Significance.

NM_001010892.3(RSPH4A):c.110C>G (p.Pro37Arg)

Genes: RSPH4A (radial spoke head component 4A; plus strand), LOC129997052 (ATAC-STARR-seq lymphoblastoid active region 24998; plus strand). Cytogenetic location: 6q22.1.
Variant type: single nucleotide variant.
Coding change: c.110C>G on transcript NM_001010892.3 (MANE Select); coding-DNA position 110, C replaced by G.
Protein change: p.Pro37Arg; replaces proline 37 with arginine.
Molecular consequence: missense variant.
Genome position (GRCh38, 1-based): chr6:116,616,733, C>G. VCF-style: chr6-116616733-C-G. GRCh37 (hg19) VCF-style: chr6-116937896-C-G.
Other names: c.110C>G, p.Pro37Arg (NM_001161664.2); short protein forms P37R.
Identifiers: ClinVar variation 1447488 (VCV001447488.5), dbSNP rs2115350900, ClinGen allele CA365389886.